The following is an entry in ClinVar:

NM_013275.6(ANKRD11):c.5524A>T (p.Lys1842Ter)

Gene: ANKRD11 (ankyrin repeat domain 11; minus strand). Cytogenetic location: 16q24.3.
Variant type: single nucleotide variant.
Coding change: c.5524A>T on transcript NM_013275.6 (MANE Select); coding-DNA position 5524, A replaced by T.
Protein change: p.Lys1842Ter; replaces lysine 1842 with a stop codon.
Molecular consequence: nonsense.
Genome position (GRCh38, 1-based): chr16:89,281,018, T>A on the plus strand (A>T on the coding strand, the complement: ANKRD11 is on the minus strand). VCF-style: chr16-89281018-T-A. GRCh37 (hg19) VCF-style: chr16-89347426-T-A.
Other names: c.5524A>T, p.Lys1842Ter (NM_001256182.2, NM_001256183.2); short protein forms K1842*.
Identifiers: ClinVar variation 2832575 (VCV002832575.3), dbSNP rs2544227565, ClinGen allele CA397153860.

ClinVar aggregate classification (germline): Pathogenic (1 of 4 stars; one submission).

Conditions:
KBG syndrome (KBGS). Also called: ANKRD11-Related KBG Syndrome. Identifiers: Orphanet 2332, MedGen C0220687, MONDO:0007846, OMIM 148050.

Submission:

Labcorp Genetics (formerly Invitae), Labcorp
Classification: Pathogenic for KBG syndrome. Last evaluated: 2023-01-28. Review status: criteria provided, single submitter. Criteria: Invitae Variant Classification Sherloc (09022015). Collection method: clinical testing. Allele origin: germline.
Comment: For these reasons, this variant has been classified as Pathogenic. This variant has not been reported in the literature in individuals affected with ANKRD11-related conditions. This variant is not present in population databases (gnomAD no frequency). This sequence change creates a premature translational stop signal (p.Lys1842*) in the ANKRD11 gene. It is expected to result in an absent or disrupted protein product. Loss-of-function variants in ANKRD11 are known to be pathogenic (PMID: 21782149, 25125236, 25413698, 25652421).

Literature cited by the submitters: PubMed 21782149; PubMed 25125236; PubMed 25413698; PubMed 25652421.